The following is an entry in ClinVar:

NM_000191.3(HMGCL):c.914_915del (p.Phe305fs)

Gene: HMGCL (3-hydroxy-3-methylglutaryl-CoA lyase; minus strand). Cytogenetic location: 1p36.11.
Variant type: Deletion.
Coding change: c.914_915del on transcript NM_000191.3 (MANE Select); coding-DNA positions 914 to 915, 2 bases deleted (TT; older notation c.914_915delTT).
Protein change: p.Phe305fs; shifts the reading frame from phenylalanine 305.
Molecular consequence: frameshift variant.
Genome position (GRCh38, 1-based): chr1:23,802,526-23,802,527, AA deleted on the plus strand (TT on the coding strand, the reverse complement: HMGCL is on the minus strand); deleting any 2 consecutive bases within chr1:23,802,526-23,802,528 gives the same sequence; the c. name uses the placement nearest the transcript's 3' end. VCF-style (leftmost placement, unchanged base first): chr1-23802525-TAA-T. GRCh37 (hg19) VCF-style: chr1-24129015-TAA-T.
Other names: c.701_702del, p.Phe234fs (NM_001166059.2); c.914_915del (NM_000191.2); c.701_702del (NM_001166059.1); short protein forms F305fs, F234fs.
Identifiers: ClinVar variation 31084 (VCV000031084.26), dbSNP rs786205431, ClinGen allele CA261115.
Genomic context (GRCh38, chr1:23,802,525, plus strand): 5'-AGAGTTTACAGGTAGCCTGAGCCACTTTGGAGCTAGTTTTTCTGTTCAGGGCTTGACAGA[TAA>T]AGTTTCCAGCTTCCAGAAGCTTCTGGAGATTCACACCCTTTGAGAAACAAGTTAGAGGAT-3'

ClinVar aggregate classification (germline): Pathogenic/Likely pathogenic. Review status: criteria provided, multiple submitters, no conflicts (2 of 4 stars). 15 submissions from 15 submitters: Pathogenic (12); Likely pathogenic (1). 2 of the submissions do not count toward it. Last evaluated 2025-10-28.

Conditions:
HMGCL-related disorder. Also called: HMGCL-related condition.
Long chain 3-hydroxyacyl-CoA dehydrogenase deficiency. Also called: LCHAD Deficiency; Deficiency of long-chain 3-hydroxyacyl-coenzyme A dehydrogenase. Identifiers: Orphanet 5, MedGen C3711645, MONDO:0012173, OMIM 609016.
Deficiency of hydroxymethylglutaryl-CoA lyase (HMGCLD). Also called: Defect in leucine metabolism; 3-hydroxy-3-methylglutaric aciduria; HMGCL DEFICIENCY; HYDROXYMETHYLGLUTARIC ACIDURIA; HMG-CoA LYASE DEFICIENCY. Identifiers: Orphanet 20, MedGen C1533587, MONDO:0009520, OMIM 246450.

Submissions (15):

PreventionGenetics, part of Exact Sciences
Classification: Pathogenic for HMGCL-related condition. Last evaluated: 2025-10-28. Review status: criteria provided, single submitter. Criteria: ACMG Guidelines, 2015. Collection method: clinical testing. Allele origin: germline.
Comment: The HMGCL c.914_915delTT variant is predicted to result in a frameshift and premature protein termination (p.Phe305Tyrfs*10). This variant resides in the final exon of this gene, and it is unclear if the resulting mRNA would undergo nonsense-mediated decay. It is alternatively referred to as F305 fs(-2) in the literature. This variant has been reported in the homozygous state in at least two individuals with HMG-CoA lyase deficiency (Mitchell et al. 1998. PubMed ID: 9463337). This variant is reported in 0.0028% of alleles in individuals of Latino descent in gnomAD. Frameshift variants in HMGCL are expected to be pathogenic. This variant is interpreted as pathogenic.

Victorian Clinical Genetics Services, Murdoch Childrens Research Institute
Classification: Pathogenic for Deficiency of hydroxymethylglutaryl-CoA lyase. Last evaluated: 2025-10-14. Review status: criteria provided, single submitter. Criteria: ACMG Guidelines, 2015. Collection method: clinical testing. Allele origin: germline. Affected: no.
Comment: This variant is classified as Pathogenic. Evidence in support of pathogenic classification: Variant is predicted to result in a truncated protein (premature termination codon is NOT located at least 54 nucleotides upstream of the final exon-exon junction) with less than 1/3 of the protein sequence affected; Variant is present in gnomAD <0.01 for a recessive condition (v4: 6 heterozygote(s), 0 homozygote(s)); This variant has strong previous evidence of pathogenicity in unrelated individuals. This variant has been classified as pathogenic and likely pathogenic by multiple clinical laboratories (ClinVar). This variant has also been reported in at least one homozygous individual with HMG-CoA lyase deficiency (PMID: 33996180). Additional information: This variant is heterozygous; This gene is associated with autosomal recessive disease; Loss of function is a known mechanism of disease in this gene and is associated with HMG-CoA lyase deficiency (MIM#246450).

GeneDx
Classification: Pathogenic. Last evaluated: 2025-06-25. Review status: criteria provided, single submitter. Criteria: GeneDx Variant Classification Process June 2021. Collection method: clinical testing. Allele origin: germline. Affected: yes.
Comment: Published functional studies demonstrate a damaging effect on enzyme function (PMID: 17459752); Frameshift variant predicted to result in abnormal protein length as the last 21 amino acid(s) are replaced with 9 different amino acid(s), and other similar variants have been reported in HGMD; Not observed at significant frequency in large population cohorts (gnomAD); This variant is associated with the following publications: (PMID: 11129331, 33996180, 17459752, 9463337, 35646072, 17173698)

Natera, Inc.
Classification: Pathogenic for Deficiency of long-chain 3-hydroxyacyl-coenzyme A dehydrogenase. Last evaluated: 2025-03-03. Review status: criteria provided, single submitter. Criteria: Natera Variant Classification Schema (03/2026). Collection method: clinical testing. Allele origin: germline.
Comment: The c.914_915delTT variant in HMGCL is a frameshift variant predicted to shift the reading frame beginning at codon 305 and leads to a stop codon 10 codons downstream. This variant may result in a truncated or dysfunctional protein product. This variant is rare in the general population with a frequency below the threshold expected for the associated phenotype(s). This variant has been observed in one or more individuals affected with the associated recessive disease, as either homozygous or compound heterozygous with a second variant (PMID: 17459752, 17173698). This variant has been observed in affected individual(s) with monoallelic occurrence (heterozygous/hemizygous) (PMID: 17459752, 9463337, 33996180). Given the available evidence, this variant is classified as Pathogenic.

Fulgent Genetics
Classification: Likely pathogenic for Deficiency of hydroxymethylglutaryl-CoA lyase. Last evaluated: 2024-06-18. Review status: criteria provided, single submitter. Criteria: ACMG Guidelines, 2015. Collection method: clinical testing. Allele origin: germline.

Genomic Medicine Center of Excellence, King Faisal Specialist Hospital and Research Centre
Classification: Pathogenic for Deficiency of hydroxymethylglutaryl-CoA lyase. Last evaluated: 2024-03-26. Review status: criteria provided, single submitter. Criteria: ACMG Guidelines, 2015. Collection method: clinical testing. Allele origin: germline.

Baylor Genetics
Classification: Pathogenic for Deficiency of hydroxymethylglutaryl-CoA lyase. Last evaluated: 2024-03-04. Review status: criteria provided, single submitter. Criteria: ACMG Guidelines, 2015. Collection method: clinical testing. Allele origin: unknown.

Labcorp Genetics (formerly Invitae), Labcorp
Classification: Pathogenic for Deficiency of hydroxymethylglutaryl-CoA lyase. Last evaluated: 2023-07-17. Review status: criteria provided, single submitter. Criteria: Invitae Variant Classification Sherloc (09022015). Collection method: clinical testing. Allele origin: germline.
Comment: For these reasons, this variant has been classified as Pathogenic. This variant disrupts the C-terminus of the HMGCL protein. Other variant(s) that disrupt this region (p.Gln308*) have been observed in individuals with HMGCL-related conditions (PMID: 11129331). This suggests that this may be a clinically significant region of the protein. ClinVar contains an entry for this variant (Variation ID: 31084). This variant is also known as F305 fs(-2) in literature. This premature translational stop signal has been observed in individual(s) with HMGCL-related conditions (PMID: 2443756, 6085636, 9463337). This variant is present in population databases (rs786205431, gnomAD 0.003%). This sequence change creates a premature translational stop signal (p.Phe305Tyrfs*10) in the HMGCL gene. While this is not anticipated to result in nonsense mediated decay, it is expected to disrupt the last 21 amino acid(s) of the HMGCL protein.

Genome-Nilou Lab
Classification: Pathogenic for Deficiency of hydroxymethylglutaryl-CoA lyase. Last evaluated: 2023-04-11. Review status: criteria provided, single submitter. Criteria: ACMG Guidelines, 2015. Collection method: clinical testing. Allele origin: germline. Affected: no.

Genetics and Molecular Pathology, SA Pathology
Classification: Pathogenic for Deficiency of hydroxymethylglutaryl-CoA lyase. Last evaluated: 2020-11-23. Review status: criteria provided, single submitter. Criteria: ACMG Guidelines, 2015. Collection method: clinical testing. Allele origin: germline. Inheritance: Autosomal recessive inheritance. Affected: yes.
Comment: PVS1, PM2, PP5, PP4

Centre for Mendelian Genomics, University Medical Centre Ljubljana
Classification: Pathogenic for Deficiency of hydroxymethylglutaryl-CoA lyase. Last evaluated: 2020-02-03. Review status: criteria provided, single submitter. Criteria: ACMG Guidelines, 2015. Collection method: clinical testing. Allele origin: unknown. Affected: yes.
Comment: This variant was classified as: Pathogenic. The following ACMG criteria were applied in classifying this variant: PVS1,PS1,PM2.

Women's Health and Genetics/Laboratory Corporation of America, LabCorp
Classification: Pathogenic for Deficiency of hydroxymethylglutaryl-CoA lyase. Last evaluated: 2018-09-24. Review status: criteria provided, single submitter. Criteria: LabCorp Variant Classification Summary - May 2015. Collection method: clinical testing. Allele origin: germline.
Comment: Variant summary: HMGCL c.914_915delTT (p.Phe305TyrfsX10) results in a premature termination codon, predicted to cause a truncation of the encoded protein or absence of the protein due to nonsense mediated decay, which are commonly known mechanisms for disease. The variant allele was found at a frequency of 7.2e-06 in 277236 control chromosomes. c.914_915delTT has been reported in the literature in two homozygous individuals affected with HMG-CoA Lyase Deficiency (Mitchell_1998). These data indicate that the variant is likely to be associated with disease. To our knowledge, no experimental evidence demonstrating an impact on protein function has been reported. Two clinical diagnostic laboratories have submitted clinical-significance assessments for this variant to ClinVar after 2014 without evidence for independent evaluation, and both classified the variant as pathogenic/likely pathogenic. Based on the evidence outlined above, the variant was classified as pathogenic.

Eurofins Ntd Llc (ga)
Classification: Pathogenic. Last evaluated: 2015-02-20. Review status: criteria provided, single submitter. Criteria: EGL Classification Definitions 2015. Collection method: clinical testing. Allele origin: germline. Observed: 1 variant allele, 1 heterozygote.

Counsyl
Classification: Pathogenic for Deficiency of hydroxymethylglutaryl-CoA lyase. Last evaluated: 2018-01-16. Review status: no assertion criteria provided. Collection method: clinical testing. Allele origin: unknown. Not counted in ClinVar's aggregate classification.

OMIM
Classification: Pathogenic for HMG-CoA LYASE DEFICIENCY. Last evaluated: 1998-02-01. Review status: no assertion criteria provided. Collection method: literature only. Allele origin: germline. Not counted in ClinVar's aggregate classification.

Literature cited by the submitters: PubMed 33996180 (cited by Victorian Clinical Genetics Services, Murdoch Childrens Research Institute and Natera, Inc.); PubMed 17459752 (cited by Natera, Inc.); PubMed 17173698 (cited by Natera, Inc. and Counsyl); PubMed 9463337 (cited by 6 submitters); PubMed 11129331 (cited by Labcorp Genetics (formerly Invitae), Labcorp); PubMed 2443756 (cited by Labcorp Genetics (formerly Invitae), Labcorp); PubMed 6085636 (cited by Labcorp Genetics (formerly Invitae), Labcorp); PubMed 15308132 (cited by Women's Health and Genetics/Laboratory Corporation of America, LabCorp); PubMed 19177531 (cited by Women's Health and Genetics/Laboratory Corporation of America, LabCorp).